The following is an entry in ClinVar:

NM_018896.5(CACNA1G):c.4834T>C (p.Tyr1612His)

Gene: CACNA1G (calcium voltage-gated channel subunit alpha1 G; plus strand). Cytogenetic location: 17q21.33.
Variant type: single nucleotide variant.
Coding change: c.4834T>C on transcript NM_018896.5 (MANE Select); coding-DNA position 4834, T replaced by C.
Protein change: p.Tyr1612His; replaces tyrosine 1612 with histidine.
Molecular consequence: missense variant. On other transcripts: non-coding transcript variant (5).
Genome position (GRCh38, 1-based): chr17:50,615,435, T>C. VCF-style: chr17-50615435-T-C. GRCh37 (hg19) VCF-style: chr17-48692796-T-C.
Other names: c.4780T>C, p.Tyr1594His (NM_001256324.2, NM_001256328.2, NM_198386.3); c.4855T>C, p.Tyr1619His (NM_001256325.2); c.4699T>C, p.Tyr1567His (NM_001256326.2, NM_001256330.2); c.4834T>C, p.Tyr1612His (NM_001256327.2, NM_001256333.2, NM_198384.3 and 1 more transcripts); c.4732T>C, p.Tyr1578His (NM_001256329.2, NM_198376.3, NM_198379.3 and 2 more transcripts); c.4678T>C, p.Tyr1560His (NM_001256331.2); c.4663T>C, p.Tyr1555His (NM_001256332.2); c.4801T>C, p.Tyr1601His (NM_001256334.2, NM_198377.3, NM_198378.3 and 1 more transcripts); and 5 more; short protein forms Y1612H, Y1560H, Y1567H, Y1571H, Y1576H, Y1585H, Y1555H, Y1574H.
Identifiers: ClinVar variation 387680 (VCV000387680.3), dbSNP rs1057522865, ClinGen allele CA16607762.
Genomic context (GRCh38, chr17:50,615,435, plus strand): 5'-CCTTACTACTCCGACTACTCCCGCTTCCGGCTCCTCGTCCACCACTTGTGCACCAGCCAC[T>C]ACCTGGACCTCTTCATCACAGGTGTCATCGGGCTGAACGTGGTCACCATGGCCATGGAGC-3'
Protein context (NP_061496.2, residues 1602-1622): LLVHHLCTSH[Tyr1612His]LDLFITGVIG

ClinVar aggregate classification (germline): Uncertain significance (1 of 4 stars; one submission).

Submission:

GeneDx
Classification: Uncertain significance. Last evaluated: 2019-10-11. Review status: criteria provided, single submitter. Criteria: GeneDx Variant Classification Process June 2021. Collection method: clinical testing. Allele origin: germline. Affected: yes.
Comment: Not observed in large population cohorts (Lek et al., 2016); In silico analysis, which includes protein predictors and evolutionary conservation, supports a deleterious effect; Has not been previously published as pathogenic or benign to our knowledge